The following is an entry in ClinVar:

ClinVar aggregate classification (germline): Uncertain significance (1 of 4 stars; one submission).

Conditions:
Inborn genetic diseases. Identifiers: MedGen C0950123, MeSH D030342.

Submission:

Ambry Genetics
Classification: Uncertain significance for Inborn genetic diseases. Last evaluated: 2026-04-04. Review status: criteria provided, single submitter. Criteria: Ambry Variant Classification Scheme 2023. Collection method: clinical testing. Allele origin: germline.
Comment: The p.M1245V variant (also known as c.3733A>G), located in coding exon 14 of the CHD7 gene, results from an A to G substitution at nucleotide position 3733. The methionine at codon 1245 is replaced by valine, an amino acid with highly similar properties. This amino acid position is conserved. In addition, this alteration is predicted to be deleterious by in silico analysis. Based on the available evidence, the clinical significance of this variant remains unclear.

NM_017780.4(CHD7):c.3733A>G (p.Met1245Val)

Gene: CHD7 (chromodomain helicase DNA binding protein 7; plus strand). Cytogenetic location: 8q12.2.
Variant type: single nucleotide variant.
Coding change: c.3733A>G on transcript NM_017780.4 (MANE Select); coding-DNA position 3733, A replaced by G.
Protein change: p.Met1245Val; replaces methionine 1245 with valine.
Molecular consequence: missense variant. On other transcripts: intron variant (1).
Genome position (GRCh38, 1-based): chr8:60,830,532, A>G. VCF-style: chr8-60830532-A-G. GRCh37 (hg19) VCF-style: chr8-61743091-A-G.
Other names: c.1717-31697A>G (NM_001316690.1); short protein forms M1245V.
Identifiers: ClinVar variation 4868896 (VCV004868896.1).